The following is an entry in ClinVar:

NM_017570.5(OPLAH):c.587+1G>C

Gene: OPLAH (5-oxoprolinase, ATP-hydrolysing; minus strand). Cytogenetic location: 8q24.3.
Variant type: single nucleotide variant.
Coding change: c.587+1G>C on transcript NM_017570.5 (MANE Select); the canonical splice donor site of the intron after coding-DNA position 587, G replaced by C.
Molecular consequence: splice donor variant.
Genome position (GRCh38, 1-based): chr8:144,058,772, C>G on the plus strand (G>C on the coding strand, the complement: OPLAH is on the minus strand). VCF-style: chr8-144058772-C-G. GRCh37 (hg19) VCF-style: chr8-145113675-C-G.
Identifiers: ClinVar variation 504164 (VCV000504164.2), dbSNP rs1272869557, ClinGen allele CA372572039.

ClinVar aggregate classification (germline): Pathogenic (1 of 4 stars; one submission).

Submission:

GeneDx
Classification: Pathogenic. Last evaluated: 2018-02-05. Review status: criteria provided, single submitter. Criteria: GeneDx Variant Classification (06012015). Collection method: clinical testing. Allele origin: germline. Affected: yes.
Comment: The c.587+1G>C variant in the OPLAH gene has not been reported previously as a pathogenic variant nor as a benign variant, to our knowledge. This splice site variant destroys the canonical splice donor site in intron 5. It is predicted to cause abnormal gene splicing, either leading to an abnormal message that is subject to nonsense-mediated mRNA decay, or to an abnormal protein product if the message is used for protein translation. The c.587+1G>C variant is not observed in large population cohorts (Lek et al., 2016). We interpret c.587+1G>C as a pathogenic variant.